The following is an entry in ClinVar:

NM_138576.4(BCL11B):c.1924_1947del (p.Cys642_Gly649del)

Gene: BCL11B (BCL11 transcription factor B; minus strand). Cytogenetic location: 14q32.2.
Variant type: Deletion.
Coding change: c.1924_1947del on transcript NM_138576.4 (MANE Select); coding-DNA positions 1924 to 1947, 24 bases deleted (TGCGGGGACGCGGGCGCGGGCGGC).
Protein change: p.Cys642_Gly649del.
Molecular consequence: inframe deletion.
Genome position (GRCh38, 1-based): chr14:99,174,889-99,174,912, GCCGCCCGCGCCCGCGTCCCCGCA deleted on the plus strand (TGCGGGGACGCGGGCGCGGGCGGC on the coding strand, the reverse complement: BCL11B is on the minus strand); deleting any 24 consecutive bases within chr14:99,174,889-99,174,922 gives the same sequence; the c. name uses the placement nearest the transcript's 3' end. VCF-style (leftmost placement, unchanged base first): chr14-99174888-CGCCGCCCGCGCCCGCGTCCCCGCA-C. GRCh37 (hg19) VCF-style: chr14-99641225-CGCCGCCCGCGCCCGCGTCCCCGCA-C.
Other names: c.1921_1944del, p.Cys641_Gly648del (NM_001282237.2); c.1708_1731del, p.Cys570_Gly577del (NM_001282238.2); c.1711_1734del, p.Cys571_Gly578del (NM_022898.3).
Identifiers: ClinVar variation 4884139 (VCV004884139.2).

ClinVar aggregate classification (germline): Uncertain significance (1 of 4 stars; one submission).

Submission:

Dasa
Classification: Uncertain significance. Last evaluated: 2025-01-08. Review status: criteria provided, single submitter. Criteria: DASA Assertion Criteria. Collection method: clinical testing. Allele origin: germline.
Comment: NM_138576.4(BCL11B):c.1924_1947del (p.Cys642_Gly649del) is an in-frame deletion predicted to remove amino acids from cysteine at protein position 642 through glycine at protein position 649 without shifting the reading frame. This variant is rare in population databases. The currently available literature and clinical evidence are not sufficient to establish a definitive association between this variant and the reported condition. Therefore, this variant is classified as a variant of uncertain significance.